The following is an entry in ClinVar:

ClinVar aggregate classification (germline): Uncertain significance (1 of 4 stars; one submission).

Conditions:
Hereditary cancer-predisposing syndrome. Also called: Tumor predisposition; Hereditary Cancer Syndrome; Neoplastic Syndromes, Hereditary; Hereditary neoplastic syndrome. Identifiers: Orphanet 140162, MedGen C0027672, MeSH D009386, MONDO:0015356.

Submission:

Color Diagnostics, LLC DBA Color Health
Classification: Uncertain significance for Hereditary cancer-predisposing syndrome. Last evaluated: 2025-05-13. Review status: criteria provided, single submitter. Criteria: ACMG Guidelines, 2015. Collection method: clinical testing. Allele origin: germline.
Comment: This variant results in the replacement of aspartic acid residue at codon 784 in the PMS2 protein with three novel amino acids. To our knowledge, functional studies have not been reported for this variant. This variant has not been reported in individuals affected with PMS2-related disorders in the literature. This variant has not been identified in the general population by the Genome Aggregation Database (gnomAD). The available evidence is insufficient to determine the role of this variant in disease conclusively. Therefore, this variant is classified as a Variant of Uncertain Significance.

NM_000535.7(PMS2):c.2350_2351insCTCAGC (p.Asp784delinsAlaGlnHis)

Gene: PMS2 (PMS1 homolog 2, mismatch repair system component; minus strand). Cytogenetic location: 7p22.1.
Variant type: Insertion.
Coding change: c.2350_2351insCTCAGC on transcript NM_000535.7 (MANE Select); coding-DNA positions 2350 to 2351, CTCAGC inserted.
Protein change: p.Asp784delinsAlaGlnHis.
Molecular consequence: inframe indel. On other transcripts: non-coding transcript variant (1).
Genome position: GRCh38 VCF-style: chr7-5977682-T-TGCTGAG. GRCh37 (hg19) VCF-style: chr7-6017313-T-TGCTGAG.
Other names: c.1945_1946insCTCAGC, p.Asp649delinsAlaGlnHis (NM_001322003.2, NM_001322004.2, NM_001322005.2 and 11 more transcripts); c.2194_2195insCTCAGC, p.Asp732delinsAlaGlnHis (NM_001322006.2); c.2032_2033insCTCAGC, p.Asp678delinsAlaGlnHis (NM_001322007.2, NM_001322008.2, NM_001406883.1); c.1978_1979insCTCAGC, p.Asp660delinsAlaGlnHis (NM_001322009.2, NM_001406887.1, NM_001406888.1); c.1789_1790insCTCAGC, p.Asp597delinsAlaGlnHis (NM_001322010.2, NM_001406906.1, NM_001406907.1); c.1417_1418insCTCAGC, p.Asp473delinsAlaGlnHis (NM_001322011.2, NM_001322012.2); c.1777_1778insCTCAGC, p.Asp593delinsAlaGlnHis (NM_001322013.2, NM_001406908.1, NM_001406909.1); c.2383_2384insCTCAGC, p.Asp795delinsAlaGlnHis (NM_001322014.2); and 20 more.
Identifiers: ClinVar variation 4758570 (VCV004758570.1).